The following is an entry in ClinVar:

ClinVar aggregate classification (germline): Likely pathogenic (1 of 4 stars; one submission).

Conditions:
Dilated cardiomyopathy 1G (CMD1G). Identifiers: Orphanet 154, MedGen C1858763, MONDO:0011400, OMIM 604145.
Autosomal recessive limb-girdle muscular dystrophy type 2J (LGMDR10). Also called: Limb-girdle muscular dystrophy, type 2J; MUSCULAR DYSTROPHY, LIMB-GIRDLE, AUTOSOMAL RECESSIVE 10. Identifiers: Orphanet 140922, MedGen C1837342, MONDO:0012127, OMIM 608807.

Submission:

Labcorp Genetics (formerly Invitae), Labcorp
Classification: Likely pathogenic for Dilated cardiomyopathy 1G; Autosomal recessive limb-girdle muscular dystrophy type 2J. Last evaluated: 2024-10-18. Review status: criteria provided, single submitter. Criteria: Invitae Variant Classification Sherloc (09022015). Collection method: clinical testing. Allele origin: germline.
Comment: This sequence change creates a premature translational stop signal (p.Arg122Asnfs*4) in the TTN gene. While this is not anticipated to result in nonsense mediated decay, it is expected to create a truncated TTN protein. This variant is not present in population databases (gnomAD no frequency). This variant has not been reported in the literature in individuals affected with TTN-related conditions. ClinVar contains an entry for this variant (Variation ID: 1371509). This variant is located in the Z band of TTN (PMID: 25589632). Truncating variants in this region have been reported in individuals affected with autosomal recessive centronuclear myopathy (PMID: 33449170, internal data). Truncating variants in this region have also been identified in individuals affected with autosomal dominant dilated cardiomyopathy and/or cardio-related conditions (PMID: 27869827, 32964742, internal data). In summary, the currently available evidence indicates that the variant is pathogenic, but additional data are needed to prove that conclusively. Therefore, this variant has been classified as Likely Pathogenic.

Literature cited by the submitters: PubMed 25589632; PubMed 33449170; PubMed 27869827; PubMed 32964742.

NM_001267550.2(TTN):c.365del (p.Arg122fs)

Gene: TTN (titin; minus strand). Cytogenetic location: 2q31.2.
Variant type: Deletion.
Coding change: c.365del on transcript NM_001267550.2 (MANE Select); coding-DNA position 365, one base deleted (G; older notation c.365delG).
Protein change: p.Arg122fs; shifts the reading frame from arginine 122.
Molecular consequence: frameshift variant.
Genome position (GRCh38, 1-based): chr2:178,800,613, C deleted on the plus strand (G on the coding strand, the reverse complement: TTN is on the minus strand). VCF-style (leftmost placement, unchanged base first): chr2-178800612-TC-T. GRCh37 (hg19) VCF-style: chr2-179665339-TC-T.
Other names: c.365del, p.Arg122fs (NM_001256850.1, NM_003319.4, NM_133378.4 and 3 more transcripts); short protein forms R122fs.
Identifiers: ClinVar variation 1371509 (VCV001371509.6), dbSNP rs2154359059, ClinGen allele CA2573134017.